The following is an entry in ClinVar:

NM_005751.5(AKAP9):c.5682G>C (p.Lys1894Asn)

Gene: AKAP9 (A-kinase anchoring protein 9; plus strand). Cytogenetic location: 7q21.2.
Variant type: single nucleotide variant.
Coding change: c.5682G>C on transcript NM_005751.5 (MANE Select); coding-DNA position 5682, G replaced by C.
Protein change: p.Lys1894Asn; replaces lysine 1894 with asparagine.
Molecular consequence: missense variant.
Genome position (GRCh38, 1-based): chr7:92,061,340, G>C. VCF-style: chr7-92061340-G-C. GRCh37 (hg19) VCF-style: chr7-91690654-G-C.
Other names: c.327G>C, p.Lys109Asn (NM_001379277.1); c.5682G>C, p.Lys1894Asn (NM_147185.3); short protein forms K109N, K1894N.
Identifiers: ClinVar variation 2098383 (VCV002098383.4), dbSNP rs1352073552, ClinGen allele CA368131615.

ClinVar aggregate classification (germline): Uncertain significance (1 of 4 stars; one submission).

Conditions:
Long QT syndrome (LQTS). Identifiers: MedGen C0023976, MeSH D008133, MONDO:0002442. Disease mechanism: loss of function. Inheritance: Various modes of inheritance.

gnomAD v4.1: 1 of 1,613,186 alleles (0.000062%); highest among the groups gnomAD compares: Non-Finnish European, 0.000085%; no homozygotes.

Submission:

Labcorp Genetics (formerly Invitae), Labcorp
Classification: Uncertain significance for Long QT syndrome. Last evaluated: 2022-02-18. Review status: criteria provided, single submitter. Criteria: Invitae Variant Classification Sherloc (09022015). Collection method: clinical testing. Allele origin: germline.
Comment: Algorithms developed to predict the effect of missense changes on protein structure and function are either unavailable or do not agree on the potential impact of this missense change (SIFT: "Tolerated"; PolyPhen-2: "Possibly Damaging"; Align-GVGD: "Class C0"). In summary, the available evidence is currently insufficient to determine the role of this variant in disease. Therefore, it has been classified as a Variant of Uncertain Significance. This variant has not been reported in the literature in individuals affected with AKAP9-related conditions. This variant is present in population databases (no rsID available, gnomAD 0.0009%). This sequence change replaces lysine, which is basic and polar, with asparagine, which is neutral and polar, at codon 1894 of the AKAP9 protein (p.Lys1894Asn).